The following is an entry in ClinVar:

NM_022336.4(EDAR):c.1132G>A (p.Ala378Thr)

Genes: EDAR (ectodysplasin A receptor; minus strand), RANBP2 (RAN binding protein 2; plus strand). Cytogenetic location: 2q13.
Variant type: single nucleotide variant.
Coding change: c.1132G>A on transcript NM_022336.4 (MANE Select); coding-DNA position 1132, G replaced by A.
Protein change: p.Ala378Thr; replaces alanine 378 with threonine.
Molecular consequence: missense variant.
Genome position (GRCh38, 1-based): chr2:108,897,122, C>T on the plus strand (G>A on the coding strand, the complement: EDAR is on the minus strand). VCF-style: chr2-108897122-C-T. GRCh37 (hg19) VCF-style: chr2-109513578-C-T.
Other names: short protein forms A378T.
Identifiers: ClinVar variation 463876 (VCV000463876.10), dbSNP rs1310296844, ClinGen allele CA348048154.

ClinVar aggregate classification (germline): Pathogenic (1 of 4 stars; one submission).

Conditions:
Ectodermal dysplasia 10A, hypohidrotic/hair/nail type, autosomal dominant (ECTD10A). Also called: Ectodermal Dysplasia 3, Anhidrotic. Identifiers: Orphanet 1810, Orphanet 238468, MedGen C3888065, MONDO:0007509, OMIM 129490.
Autosomal recessive hypohidrotic ectodermal dysplasia syndrome. Also called: Autosomal recessive hypohidrotic ectodermal dysplasia. Identifiers: Orphanet 248, MedGen C0406702, MONDO:0016619.

Allele frequency attached by ClinVar (database versions not stated): gnomAD exomes below 0.00001; gnomAD 0.00001.
gnomAD v4.1: 3 of 1,613,856 alleles (0.00019%); highest among the groups gnomAD compares: African/African-American, 0.0013%; no homozygotes.

Submission:

Labcorp Genetics (formerly Invitae), Labcorp
Classification: Pathogenic for Ectodermal dysplasia 10A, hypohidrotic/hair/nail type, autosomal dominant; Autosomal recessive hypohidrotic ectodermal dysplasia syndrome. Last evaluated: 2025-07-10. Review status: criteria provided, single submitter. Criteria: Invitae Variant Classification Sherloc (09022015). Collection method: clinical testing. Allele origin: germline.
Comment: This sequence change replaces alanine, which is neutral and non-polar, with threonine, which is neutral and polar, at codon 378 of the EDAR protein (p.Ala378Thr). The frequency data for this variant in the population databases is considered unreliable, as metrics indicate poor data quality at this position in the gnomAD database. This missense change has been observed in individual(s) with clinical features of autosomal dominant EDAR-related conditions (internal data). In at least one individual the variant was observed to be de novo. ClinVar contains an entry for this variant (Variation ID: 463876). Invitae Evidence Modeling of protein sequence and biophysical properties (such as structural, functional, and spatial information, amino acid conservation, physicochemical variation, residue mobility, and thermodynamic stability) indicates that this missense variant is expected to disrupt EDAR protein function with a positive predictive value of 80%. For these reasons, this variant has been classified as Pathogenic.